The following is an entry in ClinVar:

NM_001830.4(CLCN4):c.2191G>A (p.Gly731Arg)

Gene: CLCN4 (chloride voltage-gated channel 4; plus strand). Cytogenetic location: Xp22.2.
Variant type: single nucleotide variant.
Coding change: c.2191G>A on transcript NM_001830.4 (MANE Select); coding-DNA position 2191, G replaced by A.
Protein change: p.Gly731Arg; replaces glycine 731 with arginine.
Molecular consequence: missense variant.
Genome position (GRCh38, 1-based): chrX:10,220,876, G>A. VCF-style: chrX-10220876-G-A. GRCh37 (hg19) VCF-style: chrX-10188916-G-A.
Other names: c.1909G>A, p.Gly637Arg (NM_001256944.2); short protein forms G637R, G731R.
Identifiers: ClinVar variation 1070891 (VCV001070891.12), dbSNP rs1569233549, ClinGen allele CA412044994.

ClinVar aggregate classification (germline): Pathogenic. Review status: criteria provided, multiple submitters, no conflicts (2 of 4 stars). 2 submissions from 2 submitters: Pathogenic (2). Last evaluated 2025-08-06.

Submissions (2):

GeneDx
Classification: Pathogenic. Last evaluated: 2025-08-06. Review status: criteria provided, single submitter. Criteria: GeneDx Variant Classification Process June 2021. Collection method: clinical testing. Allele origin: germline. Affected: yes.
Comment: Functional studies indicate the G731R variant disrupts channel function (PMID: 25644381, 36385166); In silico analysis supports that this missense variant has a deleterious effect on protein structure/function; Not observed at significant frequency in large population cohorts (gnomAD); This variant is associated with the following publications: (PMID: 27550844, 35721313, 25644381, 36385166)

Labcorp Genetics (formerly Invitae), Labcorp
Classification: Pathogenic. Last evaluated: 2023-08-03. Review status: criteria provided, single submitter. Criteria: Invitae Variant Classification Sherloc (09022015). Collection method: clinical testing. Allele origin: germline.
Comment: An algorithm developed to predict the effect of missense changes on protein structure and function (PolyPhen-2) suggests that this variant is likely to be disruptive. ClinVar contains an entry for this variant (Variation ID: 1070891). This missense change has been observed in individual(s) with CLCN4-related disease (PMID: 8826458, 25644381). It has also been observed to segregate with disease in related individuals. This variant is not present in population databases (gnomAD no frequency). This sequence change replaces glycine, which is neutral and non-polar, with arginine, which is basic and polar, at codon 731 of the CLCN4 protein (p.Gly731Arg). For these reasons, this variant has been classified as Pathogenic. Experimental studies have shown that this missense change affects CLCN4 function (PMID: 25644381).

Literature cited by the submitters: PubMed 8826458 (cited by Labcorp Genetics (formerly Invitae), Labcorp); PubMed 25644381 (cited by Labcorp Genetics (formerly Invitae), Labcorp).